The following is an entry in ClinVar:

ClinVar aggregate classification (germline): Uncertain significance (1 of 4 stars; one submission).

Conditions:
Developmental and epileptic encephalopathy, 1 (DEE1). Also called: INFANTILE SPASM SYNDROME, X-LINKED 1; Epileptic encephalopathy, early infantile, 1; Tonic spasms with clustering, arrest of psychomotor development and hypsarrhythmia on EEG; X-Linked Infantile Spasm Syndrome; X-linked infantile spasms; West's syndrome. Identifiers: MedGen C3463992, MONDO:0010632, OMIM 308350. Disease mechanism: loss of function.
Intellectual disability, X-linked, with or without seizures, ARX-related. Also called: MENTAL RETARDATION, X-LINKED 29; MENTAL RETARDATION, X-LINKED 32; MENTAL RETARDATION, X-LINKED 33; MENTAL RETARDATION, X-LINKED 38; MENTAL RETARDATION, X-LINKED 43; MENTAL RETARDATION, X-LINKED 76. Identifiers: Orphanet 777, MedGen C0796244, MONDO:0010317, OMIM 300419.

Allele frequency attached by ClinVar (database versions not stated): TOPMed 0.00002.

Submission:

Labcorp Genetics (formerly Invitae), Labcorp
Classification: Uncertain significance for Developmental and epileptic encephalopathy, 1; Intellectual disability, X-linked, with or without seizures, ARX-related. Last evaluated: 2025-11-10. Review status: criteria provided, single submitter. Criteria: Invitae Variant Classification Sherloc (09022015). Collection method: clinical testing. Allele origin: germline.
Comment: This sequence change replaces aspartic acid, which is acidic and polar, with glutamic acid, which is acidic and polar, at codon 238 of the ARX protein (p.Asp238Glu). This variant is not present in population databases (gnomAD no frequency). This variant has not been reported in the literature in individuals affected with ARX-related conditions. ClinVar contains an entry for this variant (Variation ID: 946786). Invitae Evidence Modeling of protein sequence and biophysical properties (such as structural, functional, and spatial information, amino acid conservation, physicochemical variation, residue mobility, and thermodynamic stability) indicates that this missense variant is not expected to disrupt ARX protein function with a negative predictive value of 95%. In summary, the available evidence is currently insufficient to determine the role of this variant in disease. Therefore, it has been classified as a Variant of Uncertain Significance.

NM_139058.3(ARX):c.714C>G (p.Asp238Glu)

Gene: ARX (aristaless related homeobox; minus strand). Cytogenetic location: Xp21.3.
Variant type: single nucleotide variant.
Coding change: c.714C>G on transcript NM_139058.3 (MANE Select); coding-DNA position 714, C replaced by G.
Protein change: p.Asp238Glu; replaces aspartic acid 238 with glutamic acid.
Molecular consequence: missense variant.
Genome position (GRCh38, 1-based): chrX:25,013,281, G>C on the plus strand (C>G on the coding strand, the complement: ARX is on the minus strand). VCF-style: chrX-25013281-G-C. GRCh37 (hg19) VCF-style: chrX-25031398-G-C.
Other names: short protein forms D238E.
Identifiers: ClinVar variation 946786 (VCV000946786.9), dbSNP rs2048710190, ClinGen allele CA412612589.